The following is an entry in ClinVar:

ClinVar aggregate classification (germline): Uncertain significance. Review status: criteria provided, single submitter (1 of 4 stars). 2 submissions from 2 submitters: Uncertain significance (1). 1 of the submissions does not count toward it. Last evaluated 2016-06-16.

Conditions:
Dyskeratosis congenita, autosomal recessive 5 (DKCB5). Identifiers: MedGen C3554656, MONDO:0014076, OMIM 615190.

Submissions (2):

Women's Health and Genetics/Laboratory Corporation of America, LabCorp
Classification: Uncertain significance. Last evaluated: 2016-06-16. Review status: criteria provided, single submitter. Criteria: LabCorp Variant Classification Summary - May 2015. Collection method: clinical testing. Allele origin: germline.
Comment: Variant summary: The RTEL1 c.2288G>T (p.Gly763Val) variant involves the alteration of a conserved nucleotide. 3/3 in silico tools predict a damaging outcome for this variant (SNPs&GO not captured due to low reliability index). This variant was absent in 126388 control chromosomes, but has been reported in compound heterozygous state with a pathogenic RTEL1 variant in a DKC patient in the literature (Walne_AJHG_2013). OMIM cites the variant as pathogenic, but the variant has not been reported or classified by other clinical labs via ClinVar. Taken together, the variant was classified as a variant of uncertain significance (VUS) until additional information becomes available.

OMIM
Classification: Pathogenic for DYSKERATOSIS CONGENITA, AUTOSOMAL RECESSIVE 5. Last evaluated: 2013-03-07. Review status: no assertion criteria provided. Collection method: literature only. Allele origin: germline. Not counted in ClinVar's aggregate classification.

Literature cited by the submitters: PubMed 25047097 (cited by Women's Health and Genetics/Laboratory Corporation of America, LabCorp); PubMed 25182133 (cited by Women's Health and Genetics/Laboratory Corporation of America, LabCorp); PubMed 23453664 (cited by Women's Health and Genetics/Laboratory Corporation of America, LabCorp and OMIM).

NM_001283009.2(RTEL1):c.2216G>T (p.Gly739Val)

Genes: RTEL1 (regulator of telomere elongation helicase 1; plus strand), RTEL1-TNFRSF6B (RTEL1-TNFRSF6B readthrough (NMD candidate); plus strand). Cytogenetic location: 20q13.33.
Variant type: single nucleotide variant.
Coding change: c.2216G>T on transcript NM_001283009.2 (MANE Select); coding-DNA position 2216, G replaced by T.
Protein change: p.Gly739Val; replaces glycine 739 with valine.
Molecular consequence: missense variant. On other transcripts: non-coding transcript variant (1).
Genome position (GRCh38, 1-based): chr20:63,690,161, G>T. VCF-style: chr20-63690161-G-T. GRCh37 (hg19) VCF-style: chr20-62321514-G-T.
Other names: c.1547G>T, p.Gly516Val (NM_001283010.1); c.2216G>T, p.Gly739Val (NM_016434.4); c.2288G>T, p.Gly763Val (NM_032957.5); short protein forms G763V, G739V, G516V.
Identifiers: ClinVar variation 42017 (VCV000042017.3), dbSNP rs398123016, ClinGen allele CA130945.